The following is an entry in ClinVar:

NM_000245.4(MET):c.3568A>G (p.Lys1190Glu)

Gene: MET (MET proto-oncogene, receptor tyrosine kinase; plus strand). Cytogenetic location: 7q31.2.
Variant type: single nucleotide variant.
Coding change: c.3568A>G on transcript NM_000245.4 (MANE Select); coding-DNA position 3568, A replaced by G.
Protein change: p.Lys1190Glu; replaces lysine 1190 with glutamic acid.
Molecular consequence: missense variant.
Genome position (GRCh38, 1-based): chr7:116,782,033, A>G. VCF-style: chr7-116782033-A-G. GRCh37 (hg19) VCF-style: chr7-116422087-A-G.
Other names: c.3622A>G, p.Lys1208Glu (NM_001127500.3); c.2278A>G, p.Lys760Glu (NM_001324402.2); short protein forms K1208E, K760E, K1190E.
Identifiers: ClinVar variation 2068159 (VCV002068159.5), dbSNP rs2485831283, ClinGen allele CA368991011.

ClinVar aggregate classification (germline): Uncertain significance. Review status: criteria provided, multiple submitters, no conflicts (2 of 4 stars). 2 submissions from 2 submitters: Uncertain significance (2). Last evaluated 2023-02-10.

Conditions:
Renal cell carcinoma. Identifiers: Orphanet 217071, MedGen C0007134, MeSH D002292, MONDO:0005086, HP:0005584.
Hereditary cancer-predisposing syndrome. Also called: Neoplastic Syndromes, Hereditary; Hereditary Cancer Syndrome; Tumor predisposition; Hereditary neoplastic syndrome. Identifiers: Orphanet 140162, MedGen C0027672, MeSH D009386, MONDO:0015356.

Allele frequency attached by ClinVar (database versions not stated): gnomAD exomes below 0.00001.
gnomAD v4.1: 2 of 1,613,976 alleles (0.00012%); highest among the groups gnomAD compares: Non-Finnish European, 0.00017%; no homozygotes.

Submissions (2):

Ambry Genetics
Classification: Uncertain significance for Hereditary cancer-predisposing syndrome. Last evaluated: 2023-02-10. Review status: criteria provided, single submitter. Criteria: Ambry Variant Classification Scheme 2023. Collection method: clinical testing. Allele origin: germline.
Comment: The p.K1208E variant (also known as c.3622A>G), located in coding exon 17 of the MET gene, results from an A to G substitution at nucleotide position 3622. The lysine at codon 1208 is replaced by glutamic acid, an amino acid with similar properties. This amino acid position is conserved. In addition, the in silico prediction for this alteration is inconclusive. Since supporting evidence is limited at this time, the clinical significance of this alteration remains unclear.

Labcorp Genetics (formerly Invitae), Labcorp
Classification: Uncertain significance for Renal cell carcinoma. Last evaluated: 2022-08-20. Review status: criteria provided, single submitter. Criteria: Invitae Variant Classification Sherloc (09022015). Collection method: clinical testing. Allele origin: germline.
Comment: This sequence change replaces lysine, which is basic and polar, with glutamic acid, which is acidic and polar, at codon 1208 of the MET protein (p.Lys1208Glu). This variant is not present in population databases (gnomAD no frequency). This variant has not been reported in the literature in individuals affected with MET-related conditions. Algorithms developed to predict the effect of missense changes on protein structure and function are either unavailable or do not agree on the potential impact of this missense change (SIFT: "Deleterious"; PolyPhen-2: "Benign"; Align-GVGD: "Class C0"). In summary, the available evidence is currently insufficient to determine the role of this variant in disease. Therefore, it has been classified as a Variant of Uncertain Significance.